The following is an entry in ClinVar:

ClinVar aggregate classification (germline): Conflicting classifications of pathogenicity. Review status: criteria provided, conflicting classifications (1 of 4 stars). 4 submissions from 4 submitters: Uncertain significance (3); Likely benign (1). Last evaluated 2024-08-13.

Conditions:
BRCA2-related cancer predisposition. Identifiers: MedGen CN377758, MONDO:0700269.
Hereditary breast ovarian cancer syndrome. Also called: Hereditary breast and ovarian cancer syndrome; Hereditary breast and ovarian cancer syndrome (HBOC); BRCA1- and BRCA2-Associated Hereditary Breast and Ovarian Cancer; Hereditary breast and/or ovarian cancer syndrome; Hereditary breast and ovarian cancer; Breast and ovarian cancer. Identifiers: Orphanet 145, MedGen C0677776, MeSH D061325, MONDO:0003582. Disease mechanism: loss of function.
Hereditary cancer-predisposing syndrome. Also called: Neoplastic Syndromes, Hereditary; Tumor predisposition; Hereditary neoplastic syndrome; Hereditary Cancer Syndrome. Identifiers: Orphanet 140162, MedGen C0027672, MeSH D009386, MONDO:0015356.

Submissions (4):

All of Us Research Program, National Institutes of Health
Classification: Uncertain significance for BRCA2-related cancer predisposition. Last evaluated: 2024-08-13. Review status: criteria provided, single submitter. Criteria: ACMG Guidelines, 2015. Collection method: clinical testing. Allele origin: germline. Inheritance: Autosomal dominant inheritance. Observed: 1 variant allele, 1 heterozygote.
Comment: This missense variant replaces threonine with arginine at codon 680 of the BRCA2 protein. Computational prediction suggests that this variant may not impact protein structure and function (internally defined REVEL score threshold <= 0.5, PMID: 27666373). To our knowledge, functional studies have not been reported for this variant. This variant has not been reported in individuals affected with BRCA2-related disorders in the literature. This variant has not been identified in the general population by the Genome Aggregation Database (gnomAD). The available evidence is insufficient to determine the role of this variant in disease conclusively. Therefore, this variant is classified as a Variant of Uncertain Significance.

This study involves interpretation of variants in research participants for the purpose of population health screening. Participant phenotype was not available at the time of variant classification. Additional details can be found in publication PMID: 35346344, PMCID: PMC8962531

Labcorp Genetics (formerly Invitae), Labcorp
Classification: Uncertain significance for Hereditary breast ovarian cancer syndrome. Last evaluated: 2024-01-31. Review status: criteria provided, single submitter. Criteria: Invitae Variant Classification Sherloc (09022015). Collection method: clinical testing. Allele origin: germline.
Comment: This sequence change replaces threonine, which is neutral and polar, with arginine, which is basic and polar, at codon 680 of the BRCA2 protein (p.Thr680Arg). This variant is not present in population databases (gnomAD no frequency). This variant has not been reported in the literature in individuals affected with BRCA2-related conditions. ClinVar contains an entry for this variant (Variation ID: 580550). Advanced modeling of protein sequence and biophysical properties (such as structural, functional, and spatial information, amino acid conservation, physicochemical variation, residue mobility, and thermodynamic stability) performed at Invitae indicates that this missense variant is not expected to disrupt BRCA2 protein function with a negative predictive value of 95%. In summary, the available evidence is currently insufficient to determine the role of this variant in disease. Therefore, it has been classified as a Variant of Uncertain Significance.

University of Washington Department of Laboratory Medicine, University of Washington
Classification: Likely benign for Hereditary cancer-predisposing syndrome. Last evaluated: 2023-03-23. Review status: criteria provided, single submitter. Criteria: Dines et al. (Genet Med. 2020). Collection method: curation. Allele origin: germline.
Comment: Missense variant in a coldspot region where missense variants are very unlikely to be pathogenic (PMID:31911673).

BRCA2 exon 11 coldspot. Reclassification based on statistical prior probability.

Ambry Genetics
Classification: Uncertain significance for Hereditary cancer-predisposing syndrome. Last evaluated: 2022-05-24. Review status: criteria provided, single submitter. Criteria: Ambry Variant Classification Scheme 2023. Collection method: clinical testing. Allele origin: germline.
Comment: The p.T680R variant (also known as c.2039C>G), located in coding exon 10 of the BRCA2 gene, results from a C to G substitution at nucleotide position 2039. The threonine at codon 680 is replaced by arginine, an amino acid with similar properties. This amino acid position is conserved. In addition, this alteration is predicted to be tolerated by in silico analysis. Since supporting evidence is limited at this time, the clinical significance of this alteration remains unclear.

NM_000059.4(BRCA2):c.2039C>G (p.Thr680Arg)

Gene: BRCA2 (BRCA2 DNA repair associated; plus strand). Cytogenetic location: 13q13.1.
Variant type: single nucleotide variant.
Coding change: c.2039C>G on transcript NM_000059.4 (MANE Select); coding-DNA position 2039, C replaced by G.
Protein change: p.Thr680Arg; replaces threonine 680 with arginine.
Molecular consequence: missense variant.
Genome position (GRCh38, 1-based): chr13:32,336,394, C>G. VCF-style: chr13-32336394-C-G. GRCh37 (hg19) VCF-style: chr13-32910531-C-G.
Other names: short protein forms T680R.
Identifiers: ClinVar variation 580550 (VCV000580550.11), dbSNP rs1566226005, ClinGen allele CA387768921.